The following is an entry in ClinVar:

ClinVar aggregate classification (germline): Pathogenic/Likely pathogenic. Review status: criteria provided, multiple submitters, no conflicts (2 of 4 stars). 2 submissions from 2 submitters: Pathogenic (1); Likely pathogenic (1). Last evaluated 2024-03-11.

Conditions:
Autosomal recessive osteopetrosis 1. Also called: ALBERS-SCHONBERG DISEASE, AUTOSOMAL RECESSIVE; TCIRG1-Related Osteopetrosis; TCIRG1-Related Autosomal Recessive Osteopetrosis. Identifiers: Orphanet 667, MedGen C1850127, MONDO:0009815, OMIM 259700.

Allele frequency attached by ClinVar (database versions not stated): gnomAD exomes below 0.00001.
gnomAD v4.1: 2 of 1,613,384 alleles (0.00012%); highest among the groups gnomAD compares: Non-Finnish European, 0.00017%; no homozygotes.

Submissions (2):

Natera, Inc.
Classification: Likely pathogenic for Infantile malignant osteopetrosis. Last evaluated: 2024-03-11. Review status: criteria provided, single submitter. Criteria: Natera Variant Classification Schema (03/2026). Collection method: clinical testing. Allele origin: germline.
Comment: The c.1312C>T variant in TCIRG1 is a nonsense variant predicted to introduce a stop codon at amino acid 438. This variant is expected to result in nonsense mediated decay, truncation, or a dysfunctional protein product. This variant is rare in the general population with a frequency below the threshold expected for the associated phenotype(s). Given the available evidence, this variant is classified as Likely Pathogenic.

Labcorp Genetics (formerly Invitae), Labcorp
Classification: Pathogenic. Last evaluated: 2021-12-08. Review status: criteria provided, single submitter. Criteria: Invitae Variant Classification Sherloc (09022015). Collection method: clinical testing. Allele origin: germline.
Comment: This sequence change creates a premature translational stop signal (p.Gln438*) in the TCIRG1 gene. It is expected to result in an absent or disrupted protein product. Loss-of-function variants in TCIRG1 are known to be pathogenic (PMID: 10888887, 10942435, 11532986, 19448635). This variant is present in population databases (no rsID available, gnomAD 0.005%). This variant has not been reported in the literature in individuals affected with TCIRG1-related conditions. Algorithms developed to predict the effect of sequence changes on RNA splicing suggest that this variant may create or strengthen a splice site. For these reasons, this variant has been classified as Pathogenic.

Literature cited by the submitters: PubMed 10888887 (cited by Labcorp Genetics (formerly Invitae), Labcorp); PubMed 10942435 (cited by Labcorp Genetics (formerly Invitae), Labcorp); PubMed 11532986 (cited by Labcorp Genetics (formerly Invitae), Labcorp); PubMed 19448635 (cited by Labcorp Genetics (formerly Invitae), Labcorp).

NM_006019.4(TCIRG1):c.1312C>T (p.Gln438Ter)

Gene: TCIRG1 (T cell immune regulator 1, ATPase H+ transporting V0 subunit a3; plus strand). Cytogenetic location: 11q13.2.
Variant type: single nucleotide variant.
Coding change: c.1312C>T on transcript NM_006019.4 (MANE Select); coding-DNA position 1312, C replaced by T.
Protein change: p.Gln438Ter; replaces glutamine 438 with a stop codon.
Molecular consequence: nonsense.
Genome position (GRCh38, 1-based): chr11:68,047,653, C>T. VCF-style: chr11-68047653-C-T. GRCh37 (hg19) VCF-style: chr11-67815120-C-T.
Other names: c.418C>T, p.Gln140Ter (NM_001351059.2); c.664C>T, p.Gln222Ter (NM_006053.4); c.1312C>T (NM_006019.3); short protein forms Q222*, Q438*, Q140*.
Identifiers: ClinVar variation 1456669 (VCV001456669.7), dbSNP rs1418193014, ClinGen allele CA381583418.